The following is an entry in ClinVar:

NM_004415.4(DSP):c.422G>A (p.Arg141Lys)

Gene: DSP (desmoplakin; plus strand). Cytogenetic location: 6p24.3.
Variant type: single nucleotide variant.
Coding change: c.422G>A on transcript NM_004415.4 (MANE Select); coding-DNA position 422, G replaced by A.
Protein change: p.Arg141Lys; replaces arginine 141 with lysine.
Molecular consequence: missense variant.
Genome position (GRCh38, 1-based): chr6:7,558,264, G>A. VCF-style: chr6-7558264-G-A. GRCh37 (hg19) VCF-style: chr6-7558497-G-A.
Other names: c.422G>A, p.Arg141Lys (NM_001008844.3, NM_001319034.2, NM_001406591.1); short protein forms R141K.
Identifiers: ClinVar variation 2056997 (VCV002056997.4), dbSNP rs969373062, ClinGen allele CA133950077.

ClinVar aggregate classification (germline): Uncertain significance (1 of 4 stars; one submission).

Conditions:
Arrhythmogenic cardiomyopathy with wooly hair and keratoderma. Also called: Arrhythmogenic cardiomyopathy with woolly hair and keratoderma; PALMOPLANTAR KERATODERMA WITH LEFT VENTRICULAR CARDIOMYOPATHY AND WOOLLY HAIR; Carvajal syndrome; Dilated cardiomyopathy with woolly hair and keratoderma. Identifiers: Orphanet 65282, MedGen C1854063, MONDO:0011581, OMIM 605676.
Arrhythmogenic right ventricular dysplasia 8 (ARVD8). Also called: ARRHYTHMOGENIC RIGHT VENTRICULAR DYSPLASIA, FAMILIAL, 8; ARRHYTHMOGENIC RIGHT VENTRICULAR CARDIOMYOPATHY 8; Arrhythmogenic Right Ventricular Dysplasia/Cardiomyopathy 8. Identifiers: MedGen C1843896, MONDO:0011831, OMIM 607450.

Allele frequency attached by ClinVar (database versions not stated): gnomAD exomes below 0.00001.

Submission:

Labcorp Genetics (formerly Invitae), Labcorp
Classification: Uncertain significance for Arrhythmogenic cardiomyopathy with wooly hair and keratoderma; Arrhythmogenic right ventricular dysplasia 8. Last evaluated: 2022-11-01. Review status: criteria provided, single submitter. Criteria: Invitae Variant Classification Sherloc (09022015). Collection method: clinical testing. Allele origin: germline.
Comment: This sequence change replaces arginine, which is basic and polar, with lysine, which is basic and polar, at codon 141 of the DSP protein (p.Arg141Lys). This variant also falls at the last nucleotide of exon 3, which is part of the consensus splice site for this exon. This variant is not present in population databases (gnomAD no frequency). This variant has not been reported in the literature in individuals affected with DSP-related conditions. Algorithms developed to predict the effect of missense changes on protein structure and function (SIFT, PolyPhen-2, Align-GVGD) all suggest that this variant is likely to be tolerated. Variants that disrupt the consensus splice site are a relatively common cause of aberrant splicing (PMID: 17576681, 9536098). Algorithms developed to predict the effect of sequence changes on RNA splicing suggest that this variant may disrupt the consensus splice site. In summary, the available evidence is currently insufficient to determine the role of this variant in disease. Therefore, it has been classified as a Variant of Uncertain Significance.

Literature cited by the submitters: PubMed 17576681; PubMed 9536098.